The following is an entry in ClinVar:

NM_002354.3(EPCAM):c.491+1G>A

Gene: EPCAM (epithelial cell adhesion molecule; plus strand). Cytogenetic location: 2p21.
Variant type: single nucleotide variant.
Coding change: c.491+1G>A on transcript NM_002354.3 (MANE Select); the canonical splice donor site of the intron after coding-DNA position 491, G replaced by A.
Molecular consequence: splice donor variant.
Genome position (GRCh38, 1-based): chr2:47,375,300, G>A. VCF-style: chr2-47375300-G-A. GRCh37 (hg19) VCF-style: chr2-47602439-G-A.
Other names: NM_002354.3:c.491+1G>A; NC_000002.11:g.47602439G>A; IVS4DS, G-A, +1.
Identifiers: ClinVar variation 12771 (VCV000012771.24), dbSNP rs606231203, ClinGen allele CA122699.
Genomic context (GRCh38, chr2:47,375,300, plus strand): 5'-CATCATTGAACTAAAACACAAAGCAAGAGAAAAACCTTATGATAGTAAAAGTTTGCGGAC[G>A]TAAGTGCAATTAAATGCATCATATTCTTGCACAGTTGGTGGCTCAAATCTTCCATCCTAC-3'

ClinVar aggregate classification (germline): Pathogenic. Review status: criteria provided, multiple submitters, no conflicts (2 of 4 stars). 4 submissions from 4 submitters: Pathogenic (2). 2 of the submissions do not count toward it. Last evaluated 2025-08-26.

Conditions:
Gastric cancer. Also called: Stomach cancer; Malignant tumor of stomach. Identifiers: MedGen C0024623, MeSH D013274, MONDO:0001056, OMIM 613659, HP:0012126.
Hereditary cancer-predisposing syndrome. Also called: Neoplastic Syndromes, Hereditary; Tumor predisposition; Hereditary neoplastic syndrome; Hereditary Cancer Syndrome. Identifiers: Orphanet 140162, MedGen C0027672, MeSH D009386, MONDO:0015356.
Congenital diarrhea 5 with tufting enteropathy. Also called: Congenital tufting enteropathy; INTESTINAL EPITHELIAL CELL DYSPLASIA. Identifiers: Orphanet 92050, MedGen C2750737, MONDO:0013184, OMIM 613217.

Allele frequency attached by ClinVar (database versions not stated): gnomAD 0.00002; TOPMed 0.00003.
gnomAD v4.1: 29 of 1,602,506 alleles (0.0018%); highest among the groups gnomAD compares: Admixed American, 0.028%; no homozygotes.

Submissions (7):

Ambry Genetics
Classification: Pathogenic for Hereditary cancer-predisposing syndrome. Last evaluated: 2025-08-26. Review status: criteria provided, single submitter. Criteria: Ambry Variant Classification Scheme 2023. Collection method: clinical testing. Allele origin: germline.
Comment: The c.491+1G>A intronic variant results from a G to A substitution one nucleotide after coding exon 4 of the EPCAM gene. Alterations that disrupt the canonical splice site are expected to result in aberrant splicing. The resulting transcript is predicted to be in-frame and is not expected to trigger nonsense-mediated mRNA decay. The exact functional effect of the altered amino acid sequence is unknown; however, the impacted region is critical for protein function (Mueller, 2014). Based on data from gnomAD, the A allele has an overall frequency of 0.006% (14/251214) total alleles studied. The highest observed frequency was 0.032% (11/34570) of Latino alleles. This alteration was reported homozygous or compound heterozygous with a second mutation in EPCAM in multiple patients with failure to thrive, diarrhea, vomiting, and endoscopic duodenal biopsies with characteristic histology consistent with congenital tufting enteropathy (Sivagnanam, 2008; Ko, 2010; Fang, 2020; Yang, 2022). This nucleotide position is highly conserved in available vertebrate species. RNA studies have demonstrated that this alteration results in abnormal splicing (Sivagnanam, 2008). In silico splice site analysis predicts that this alteration will weaken the native splice donor site. Based on the available evidence, this alteration is classified as pathogenic.

Aleixo Muise Laboratory, Hospital For Sick Children
Classification: Pathogenic for Congenital diarrhea 5 with tufting enteropathy. Last evaluated: 2024-07-05. Review status: criteria provided, single submitter. Criteria: ACMG Guidelines, 2015. Collection method: research. Allele origin: inherited. Affected: yes. Observed: 2 variant alleles.
Comment: PVS1;PM2;PM3;PP1;PP3;PP4

Laboratory for Genotyping Development, RIKEN
Classification: Pathogenic for Gastric cancer. Last evaluated: 2021-07-01. Review status: no assertion criteria provided. Collection method: research. Allele origin: germline. Not counted in ClinVar's aggregate classification.

OMIM
Classification: Pathogenic for DIARRHEA 5, WITH TUFTING ENTEROPATHY, CONGENITAL. Last evaluated: 2013-07-01. Review status: no assertion criteria provided. Collection method: literature only. Allele origin: germline. Not counted in ClinVar's aggregate classification.

Dr. Peter K. Rogan Lab, Western University
No classification provided (evidence only). Condition: Colon adenocarcinoma. Review status: no classification provided. Collection method: in vitro. Allele origin: not applicable. Functional consequence: skipped exon, retained intron. Not counted in ClinVar's aggregate classification.

Dr. Peter K. Rogan Lab, Western University
No classification provided (evidence only). Condition: Uterine corpus endometrial carcinoma. Review status: no classification provided. Collection method: in vitro. Allele origin: not applicable. Functional consequence: skipped exon, retained intron. Not counted in ClinVar's aggregate classification.

MutSpliceDB: a database of splice sites variants effects on splicing, NIH
No classification provided (evidence only). Review status: no classification provided. Collection method: in vivo. Allele origin: not applicable. Functional consequence: retained intron. Not counted in ClinVar's aggregate classification.

Literature cited by the submitters: PubMed 18572020 (cited by Ambry Genetics and OMIM); PubMed 20981223 (cited by Ambry Genetics); PubMed 24337010 (cited by Ambry Genetics); PubMed 32293360 (cited by Ambry Genetics); PubMed 35642160 (cited by Ambry Genetics); PubMed 36988593 (cited by Laboratory for Genotyping Development, RIKEN); PubMed 23462293 (cited by OMIM).